The following is an entry in ClinVar:

NM_000836.4(GRIN2D):c.1381C>T (p.Pro461Ser)

Gene: GRIN2D (glutamate ionotropic receptor NMDA type subunit 2D; plus strand). Cytogenetic location: 19q13.33.
Variant type: single nucleotide variant.
Coding change: c.1381C>T on transcript NM_000836.4 (MANE Select); coding-DNA position 1381, C replaced by T.
Protein change: p.Pro461Ser; replaces proline 461 with serine.
Molecular consequence: missense variant.
Genome position (GRCh38, 1-based): chr19:48,414,553, C>T. VCF-style: chr19-48414553-C-T. GRCh37 (hg19) VCF-style: chr19-48917810-C-T.
Other names: short protein forms P461S.
Identifiers: ClinVar variation 1361472 (VCV001361472.8), dbSNP rs1486336878, ClinGen allele CA406695460.

ClinVar aggregate classification (germline): Uncertain significance (1 of 4 stars; one submission).

Allele frequency attached by ClinVar (database versions not stated): gnomAD 0.00001; gnomAD exomes 0.00001; TOPMed 0.00002.
gnomAD v4.1: 13 of 1,553,480 alleles (0.00084%); highest among the groups gnomAD compares: Non-Finnish European, 0.0011%; no homozygotes.

Submission:

Labcorp Genetics (formerly Invitae), Labcorp
Classification: Uncertain significance. Last evaluated: 2022-07-19. Review status: criteria provided, single submitter. Criteria: Invitae Variant Classification Sherloc (09022015). Collection method: clinical testing. Allele origin: germline.
Comment: This sequence change replaces proline, which is neutral and non-polar, with serine, which is neutral and polar, at codon 461 of the GRIN2D protein (p.Pro461Ser). The frequency data for this variant in the population databases is considered unreliable, as metrics indicate poor data quality at this position in the gnomAD database. This variant has not been reported in the literature in individuals affected with GRIN2D-related conditions. ClinVar contains an entry for this variant (Variation ID: 1361472). Advanced modeling of protein sequence and biophysical properties (such as structural, functional, and spatial information, amino acid conservation, physicochemical variation, residue mobility, and thermodynamic stability) performed at Invitae indicates that this missense variant is expected to disrupt GRIN2D protein function. In summary, the available evidence is currently insufficient to determine the role of this variant in disease. Therefore, it has been classified as a Variant of Uncertain Significance.